The following is an entry in ClinVar:

ClinVar aggregate classification (germline): Likely benign. Review status: criteria provided, multiple submitters, no conflicts (2 of 4 stars). 3 submissions from 3 submitters: Likely benign (3). Last evaluated 2025-11-23.

Conditions:
Hereditary breast ovarian cancer syndrome. Also called: BRCA1- and BRCA2-Associated Hereditary Breast and Ovarian Cancer; Hereditary breast and ovarian cancer syndrome (HBOC); Hereditary breast and ovarian cancer syndrome; Breast and ovarian cancer; Hereditary breast and ovarian cancer; Hereditary breast and/or ovarian cancer syndrome. Identifiers: Orphanet 145, MedGen C0677776, MeSH D061325, MONDO:0003582. Disease mechanism: loss of function.
Hereditary cancer-predisposing syndrome. Also called: Hereditary Cancer Syndrome; Hereditary neoplastic syndrome; Neoplastic Syndromes, Hereditary; Tumor predisposition. Identifiers: Orphanet 140162, MedGen C0027672, MeSH D009386, MONDO:0015356.
Breast-ovarian cancer, familial, susceptibility to, 1 (BROVCA1). Also called: OVARIAN CANCER, SUSCEPTIBILITY TO; BRCA1 Hereditary Breast and Ovarian Cancer. Identifiers: Orphanet 145, MedGen C2676676, MONDO:0011450, OMIM 604370. Disease mechanism: loss of function.

gnomAD v4.1: 1 of 1,613,938 alleles (0.000062%); highest among the groups gnomAD compares: Non-Finnish European, 0.000085%; no homozygotes.

Submissions (3):

Labcorp Genetics (formerly Invitae), Labcorp
Classification: Likely benign for Hereditary breast ovarian cancer syndrome. Last evaluated: 2025-11-23. Review status: criteria provided, single submitter. Criteria: Invitae Variant Classification Sherloc (09022015). Collection method: clinical testing. Allele origin: germline.

All of Us Research Program, National Institutes of Health
Classification: Likely benign for Breast-ovarian cancer, familial, susceptibility to, 1. Last evaluated: 2023-10-02. Review status: criteria provided, single submitter. Criteria: ACMG Guidelines, 2015. Collection method: clinical testing. Allele origin: germline. Inheritance: Autosomal dominant inheritance. Observed: 2 variant alleles, 2 heterozygotes.
Comment: This study involves interpretation of variants in research participants for the purpose of population health screening. Participant phenotype was not available at the time of variant classification. Additional details can be found in publication PMID: 35346344, PMCID: PMC8962531

Ambry Genetics
Classification: Likely benign for Hereditary cancer-predisposing syndrome. Last evaluated: 2017-12-01. Review status: criteria provided, single submitter. Criteria: Ambry Variant Classification Scheme 2023. Collection method: clinical testing. Allele origin: germline.

NM_007294.4(BRCA1):c.3246T>A (p.Ala1082=)

Genes: BRCA1 (BRCA1 DNA repair associated; minus strand), LOC126862571 (BRD4-independent group 4 enhancer GRCh37_chr17:41243136-41244335; plus strand). Cytogenetic location: 17q21.31.
Variant type: single nucleotide variant.
Coding change: c.3246T>A on transcript NM_007294.4 (MANE Select); coding-DNA position 3246, T replaced by A.
Protein change: p.Ala1082=; no amino-acid change (alanine 1082 retained).
Molecular consequence: synonymous variant. On other transcripts: intron variant (137).
Genome position (GRCh38, 1-based): chr17:43,092,285, A>T on the plus strand (T>A on the coding strand, the complement: BRCA1 is on the minus strand). VCF-style: chr17-43092285-A-T. GRCh37 (hg19) VCF-style: chr17-41244302-A-T.
Other names: c.3246T>A, p.Ala1082= (NM_001407624.1, NM_001407625.1, NM_001407626.1 and 30 more transcripts); c.3243T>A, p.Ala1081= (NM_001407627.1, NM_001407628.1, NM_001407629.1 and 22 more transcripts); c.3237T>A, p.Ala1079= (NM_001407646.1, NM_001407647.1); c.3123T>A, p.Ala1041= (NM_001407648.1, NM_001407664.1, NM_001407665.1 and 19 more transcripts); c.3120T>A, p.Ala1040= (NM_001407649.1, NM_001407670.1, NM_001407671.1 and 11 more transcripts); c.3168T>A, p.Ala1056= (NM_001407653.1, NM_001407654.1, NM_001407655.1 and 4 more transcripts); c.3165T>A, p.Ala1055= (NM_001407659.1, NM_001407660.1, NM_001407661.1 and 1 more transcripts); c.3105T>A, p.Ala1035= (NM_001407692.1, NM_001407694.1, NM_001407695.1 and 29 more transcripts); and 41 more.
Identifiers: ClinVar variation 823292 (VCV000823292.15), dbSNP rs1241537585, ClinGen allele CA500232729.
Genomic context (GRCh38, chr17:43,092,285, plus strand): 5'-ATTACTTCCAGGAAGACTTTGTTTATAGACCTCAGGTTGCAAAACCCCTAATCTAAGCAT[A>T]GCATTCAATTTTGGCCCTCTGTTTCTACCTAGTTCTGCTTGAATGTTTTCATCACTGGAA-3'
Protein context (NP_009225.1, residues 1072-1092): LGRNRGPKLN[Ala1082=]MLRLGVLQPE